The following is an entry in ClinVar:

ClinVar aggregate classification (germline): Uncertain significance. Review status: criteria provided, multiple submitters, no conflicts (2 of 4 stars). 4 submissions from 4 submitters: Uncertain significance (4). Last evaluated 2026-02-18.

Conditions:
Inborn genetic diseases. Identifiers: MedGen C0950123, MeSH D030342.
PROM1-related disorder. Also called: PROM1-related disorders; PROM1-related condition.

gnomAD v4.1: 17 of 1,597,142 alleles (0.0011%); highest among the groups gnomAD compares: Admixed American, 0.0018%; no homozygotes.

Submissions (4):

PreventionGenetics, part of Exact Sciences
Classification: Uncertain significance for PROM1-related condition. Last evaluated: 2026-02-18. Review status: criteria provided, single submitter. Criteria: ACMG Guidelines, 2015. Collection method: clinical testing. Allele origin: germline.
Comment: The PROM1 c.1675G>A variant is predicted to result in the amino acid substitution p.Val559Ile. To our knowledge, this variant has not been reported in the literature. This variant is reported in 0.0019% of alleles in individuals of European (Non-Finnish) descent in gnomAD. At this time, the clinical significance of this variant is uncertain due to the absence of conclusive functional and genetic evidence.

Labcorp Genetics (formerly Invitae), Labcorp
Classification: Uncertain significance. Last evaluated: 2025-03-18. Review status: criteria provided, single submitter. Criteria: Invitae Variant Classification Sherloc (09022015). Collection method: clinical testing. Allele origin: germline.
Comment: This sequence change replaces valine, which is neutral and non-polar, with isoleucine, which is neutral and non-polar, at codon 559 of the PROM1 protein (p.Val559Ile). This variant is present in population databases (no rsID available, gnomAD 0.002%). This variant has not been reported in the literature in individuals affected with PROM1-related conditions. ClinVar contains an entry for this variant (Variation ID: 3310299). Invitae Evidence Modeling of protein sequence and biophysical properties (such as structural, functional, and spatial information, amino acid conservation, physicochemical variation, residue mobility, and thermodynamic stability) indicates that this missense variant is not expected to disrupt PROM1 protein function with a negative predictive value of 80%. In summary, the available evidence is currently insufficient to determine the role of this variant in disease. Therefore, it has been classified as a Variant of Uncertain Significance.

Ambry Genetics
Classification: Uncertain significance for Inborn genetic diseases. Last evaluated: 2024-06-07. Review status: criteria provided, single submitter. Criteria: Ambry Variant Classification Scheme 2023. Collection method: clinical testing. Allele origin: germline.

Blueprint Genetics
Classification: Uncertain significance. Last evaluated: 2022-09-30. Review status: criteria provided, single submitter. Criteria: ACMG Guidelines, 2015. Collection method: clinical testing. Allele origin: germline.

NM_006017.3(PROM1):c.1675G>A (p.Val559Ile)

Gene: PROM1 (prominin 1; minus strand). Cytogenetic location: 4p15.32.
Variant type: single nucleotide variant.
Coding change: c.1675G>A on transcript NM_006017.3 (MANE Select); coding-DNA position 1675, G replaced by A.
Protein change: p.Val559Ile; replaces valine 559 with isoleucine.
Molecular consequence: missense variant.
Genome position (GRCh38, 1-based): chr4:15,998,392, C>T on the plus strand (G>A on the coding strand, the complement: PROM1 is on the minus strand). VCF-style: chr4-15998392-C-T. GRCh37 (hg19) VCF-style: chr4-16000015-C-T.
Other names: c.1648G>A, p.Val550Ile (NM_001145847.2, NM_001145848.2, NM_001145851.2 and 4 more transcripts); c.1675G>A, p.Val559Ile (NM_001145849.2, NM_001145850.2); short protein forms V559I, V550I.
Identifiers: ClinVar variation 3310299 (VCV003310299.4).